The following is an entry in ClinVar:

NM_002691.4(POLD1):c.73G>A (p.Asp25Asn)

Gene: POLD1 (DNA polymerase delta 1, catalytic subunit; plus strand). Cytogenetic location: 19q13.33.
Variant type: single nucleotide variant.
Coding change: c.73G>A on transcript NM_002691.4 (MANE Select); coding-DNA position 73, G replaced by A.
Protein change: p.Asp25Asn; replaces aspartic acid 25 with asparagine.
Molecular consequence: missense variant. On other transcripts: non-coding transcript variant (1).
Genome position (GRCh38, 1-based): chr19:50,398,924, G>A. VCF-style: chr19-50398924-G-A. GRCh37 (hg19) VCF-style: chr19-50902181-G-A.
Other names: c.73G>A, p.Asp25Asn (NM_001256849.1, NM_001308632.1); c.73G>A (NM_002691.2); short protein forms D25N.
Identifiers: ClinVar variation 565940 (VCV000565940.12), dbSNP rs1426253750, ClinGen allele CA406970084.
Genomic context (GRCh38, chr19:50,398,924, plus strand): 5'-CGGCGGCCAGGCCCAGGGCCCGGGGTGCCCCCAAAGCGGGCCCGTGGGGGCCTCTGGGAT[G>A]ATGATGATGCACCTCGGCCATCCCAATTCGAGGAGGACCTGGCACTGATGGAGGAGATGG-3'
Protein context (NP_002682.2, residues 15-35): PKRARGGLWD[Asp25Asn]DDAPRPSQFE

ClinVar aggregate classification (germline): Conflicting classifications of pathogenicity. Review status: criteria provided, conflicting classifications (1 of 4 stars). 2 submissions from 2 submitters: Uncertain significance (1); Likely benign (1). Last evaluated 2024-12-28.

Conditions:
Hereditary cancer-predisposing syndrome. Also called: Tumor predisposition; Neoplastic Syndromes, Hereditary; Hereditary Cancer Syndrome; Hereditary neoplastic syndrome. Identifiers: Orphanet 140162, MedGen C0027672, MeSH D009386, MONDO:0015356.
POLD1-related polyposis and colorectal cancer syndrome (CRCS10). Also called: Colorectal cancer 10; COLORECTAL CANCER, SUSCEPTIBILITY TO, ON CHROMOSOME 19q; Colorectal cancer, susceptibility to, 10. Identifiers: Orphanet 220460, MedGen C2675481, MONDO:0012953, OMIM 612591.

Allele frequency attached by ClinVar (database versions not stated): gnomAD exomes below 0.00001; gnomAD 0.00001.
gnomAD v4.1: 3 of 1,597,178 alleles (0.00019%); highest among the groups gnomAD compares: Non-Finnish European, 0.00026%; no homozygotes.

Submissions (2):

Ambry Genetics
Classification: Likely benign for Hereditary cancer-predisposing syndrome. Last evaluated: 2024-12-28. Review status: criteria provided, single submitter. Criteria: Ambry Variant Classification Scheme 2023. Collection method: clinical testing. Allele origin: germline.

Labcorp Genetics (formerly Invitae), Labcorp
Classification: Uncertain significance for POLD1-related polyposis and colorectal cancer syndrome. Last evaluated: 2024-11-06. Review status: criteria provided, single submitter. Criteria: Invitae Variant Classification Sherloc (09022015). Collection method: clinical testing. Allele origin: germline.
Comment: This sequence change replaces aspartic acid, which is acidic and polar, with asparagine, which is neutral and polar, at codon 25 of the POLD1 protein (p.Asp25Asn). This variant is present in population databases (no rsID available, gnomAD 0.002%). This variant has not been reported in the literature in individuals affected with POLD1-related conditions. ClinVar contains an entry for this variant (Variation ID: 565940). An algorithm developed to predict the effect of missense changes on protein structure and function (PolyPhen-2) suggests that this variant is likely to be tolerated. In summary, the available evidence is currently insufficient to determine the role of this variant in disease. Therefore, it has been classified as a Variant of Uncertain Significance.